The following is an entry in ClinVar:

ClinVar aggregate classification (germline): Uncertain significance. Review status: criteria provided, multiple submitters, no conflicts (2 of 4 stars). 3 submissions from 3 submitters: Uncertain significance (2). 1 of the submissions does not count toward it. Last evaluated 2024-10-14.

Conditions:
Roberts-SC phocomelia syndrome (RBS). Also called: Hypomelia hypotrichosis facial hemangioma syndrome; LONG BONE DEFICIENCIES ASSOCIATED WITH CLEFT LIP-PALATE; Pseudothalidomide syndrome; Appelt-Gerken-Lenz syndrome; ESCO2 Spectrum Disorder. Identifiers: Orphanet 3103, MedGen C0392475, MONDO:0100253, OMIM 268300.
Inborn genetic diseases. Identifiers: MedGen C0950123, MeSH D030342.

Allele frequency attached by ClinVar (database versions not stated): gnomAD 0.00001; gnomAD exomes 0.00002 and 0.00005; ExAC 0.00003; TOPMed 0.00003.
gnomAD v4.1: 10 of 1,612,530 alleles (0.00062%); highest among the groups gnomAD compares: East Asian, 0.022%; no homozygotes.

Submissions (3):

Labcorp Genetics (formerly Invitae), Labcorp
Classification: Uncertain significance. Last evaluated: 2024-10-14. Review status: criteria provided, single submitter. Criteria: Invitae Variant Classification Sherloc (09022015). Collection method: clinical testing. Allele origin: germline.
Comment: This sequence change replaces lysine, which is basic and polar, with glutamine, which is neutral and polar, at codon 303 of the ESCO2 protein (p.Lys303Gln). This variant is present in population databases (rs767444182, gnomAD 0.07%). This variant has not been reported in the literature in individuals affected with ESCO2-related conditions. ClinVar contains an entry for this variant (Variation ID: 991270). An algorithm developed to predict the effect of missense changes on protein structure and function (PolyPhen-2) suggests that this variant¬†is likely to be tolerated. In summary, the available evidence is currently insufficient to determine the role of this variant in disease. Therefore, it has been classified as a Variant of Uncertain Significance.

Ambry Genetics
Classification: Uncertain significance for Inborn genetic diseases. Last evaluated: 2022-03-15. Review status: criteria provided, single submitter. Criteria: Ambry Variant Classification Scheme 2023. Collection method: clinical testing. Allele origin: germline.
Comment: The c.907A>C (p.K303Q) alteration is located in coding exon 3 of the ESCO2 gene. This alteration results from a A to C substitution at nucleotide position 907, causing the lysine (K) at amino acid position 303 to be replaced by a glutamine (Q). Based on data from gnomAD, the C allele has an overall frequency of 0.005% (13/282068) total alleles studied. The highest observed frequency was 0.065% (13/19938) of East Asian alleles. This amino acid position is not well conserved in available vertebrate species. This alteration is predicted to be tolerated by in silico analysis. Based on insufficient or conflicting evidence, the clinical significance of this alteration remains unclear.

Natera, Inc.
Classification: Likely benign for Roberts syndrome. Last evaluated: 2020-08-31. Review status: no assertion criteria provided. Collection method: clinical testing. Allele origin: germline. Not counted in ClinVar's aggregate classification.

NM_001017420.3(ESCO2):c.907A>C (p.Lys303Gln)

Gene: ESCO2 (establishment of sister chromatid cohesion N-acetyltransferase 2; plus strand). Cytogenetic location: 8p21.1.
Variant type: single nucleotide variant.
Coding change: c.907A>C on transcript NM_001017420.3 (MANE Select); coding-DNA position 907, A replaced by C.
Protein change: p.Lys303Gln; replaces lysine 303 with glutamine.
Molecular consequence: missense variant.
Genome position (GRCh38, 1-based): chr8:27,780,219, A>C. VCF-style: chr8-27780219-A-C. GRCh37 (hg19) VCF-style: chr8-27637736-A-C.
Other names: c.907A>C (NM_001017420.2); short protein forms K303Q.
Identifiers: ClinVar variation 991270 (VCV000991270.6), dbSNP rs767444182, ClinGen allele CA4692150.
Genomic context (GRCh38, chr8:27,780,219, plus strand): 5'-TAAACCTATTTTCAGGATTCATCAGATGACAGAGTTTCTTCAAAGGAACATAAAGTTGAT[A>C]AAAATGAGGCTTTTTCTTCAGAGGATTCTCTTGGTGAGAATAAGACAAGTAAGAGAAAAC-3'
Protein context (NP_001017420.1, residues 293-313): RVSSKEHKVD[Lys303Gln]NEAFSSEDSL